The following is an entry in ClinVar:

NM_005228.5(EGFR):c.2389T>A (p.Cys797Ser)

Genes: EGFR (epidermal growth factor receptor; plus strand), EGFR-AS1 (EGFR antisense RNA 1; minus strand). Cytogenetic location: 7p11.2.
Variant type: single nucleotide variant.
Coding change: c.2389T>A on transcript NM_005228.5 (MANE Select); coding-DNA position 2389, T replaced by A.
Protein change: p.Cys797Ser; replaces cysteine 797 with serine.
Molecular consequence: missense variant. On other transcripts: non-coding transcript variant (1).
Genome position (GRCh38, 1-based): chr7:55,181,398, T>A. VCF-style: chr7-55181398-T-A. GRCh37 (hg19) VCF-style: chr7-55249091-T-A.
Other names: c.2254T>A, p.Cys752Ser (NM_001346897.2, NM_001346899.2); c.2389T>A, p.Cys797Ser (NM_001346898.2); c.2230T>A, p.Cys744Ser (NM_001346900.2); c.1588T>A, p.Cys530Ser (NM_001346941.2); short protein forms C797S, C752S, C530S, C744S.
Identifiers: ClinVar variation 376342 (VCV000376342.6), dbSNP rs1057519861, ClinGen allele CA16602785.
Genomic context (GRCh38, chr7:55,181,398, plus strand): 5'-CTGCTGGGCATCTGCCTCACCTCCACCGTGCAGCTCATCACGCAGCTCATGCCCTTCGGC[T>A]GCCTCCTGGACTATGTCCGGGAACACAAAGACAATATTGGCTCCCAGTACCTGCTCAACT-3'
Protein context (NP_005219.2, residues 787-807): QLITQLMPFG[Cys797Ser]LLDYVREHKD

ClinVar aggregate classification (germline): Uncertain significance (1 of 4 stars; one submission).

Conditions:
EGFR-related lung cancer (EGFR). Identifiers: MedGen CN130014.

Submission:

Labcorp Genetics (formerly Invitae), Labcorp
Classification: Uncertain significance for EGFR-related lung cancer. Last evaluated: 2022-08-27. Review status: criteria provided, single submitter. Criteria: Invitae Variant Classification Sherloc (09022015). Collection method: clinical testing. Allele origin: germline.
Comment: In summary, the available evidence is currently insufficient to determine the role of this variant in disease. Therefore, it has been classified as a Variant of Uncertain Significance. Algorithms developed to predict the effect of missense changes on protein structure and function are either unavailable or do not agree on the potential impact of this missense change (SIFT: "Tolerated"; PolyPhen-2: "Probably Damaging"; Align-GVGD: "Class C0"). ClinVar contains an entry for this variant (Variation ID: 376342). While this variant has not been reported in the germline of individuals with EGFR-related disease, it is a commonly reported somatic change in lung cancer (PMID: 25939061, 25948633). This variant is not present in population databases (gnomAD no frequency). This sequence change replaces cysteine, which is neutral and slightly polar, with serine, which is neutral and polar, at codon 797 of the EGFR protein (p.Cys797Ser).

Literature cited by the submitters: PubMed 25939061; PubMed 25948633.